The following is an entry in ClinVar:

ClinVar aggregate classification (germline): Uncertain significance (1 of 4 stars; one submission).

Conditions:
Dilated cardiomyopathy 1CC (CMD1CC). Identifiers: Orphanet 154, MedGen C2751084, MONDO:0013147, OMIM 613122.
Hypertrophic cardiomyopathy 20. Identifiers: MedGen C3151267, MONDO:0013477, OMIM 613876.

Submission:

Labcorp Genetics (formerly Invitae), Labcorp
Classification: Uncertain significance for Dilated cardiomyopathy 1CC; Hypertrophic cardiomyopathy 20. Last evaluated: 2022-01-01. Review status: criteria provided, single submitter. Criteria: Invitae Variant Classification Sherloc (09022015). Collection method: clinical testing. Allele origin: germline.
Comment: In summary, the available evidence is currently insufficient to determine the role of this variant in disease. Therefore, it has been classified as a Variant of Uncertain Significance. Algorithms developed to predict the effect of sequence changes on RNA splicing suggest that this variant may create or strengthen a splice site. Algorithms developed to predict the effect of missense changes on protein structure and function are either unavailable or do not agree on the potential impact of this missense change (SIFT: "Deleterious"; PolyPhen-2: "Probably Damaging"; Align-GVGD: "Class C15"). This variant has not been reported in the literature in individuals affected with NEXN-related conditions. This variant is not present in population databases (gnomAD no frequency). This sequence change replaces proline, which is neutral and non-polar, with arginine, which is basic and polar, at codon 175 of the NEXN protein (p.Pro175Arg).

NM_144573.4(NEXN):c.524C>G (p.Pro175Arg)

Gene: NEXN (nexilin F-actin binding protein; plus strand). Cytogenetic location: 1p31.1.
Variant type: single nucleotide variant.
Coding change: c.524C>G on transcript NM_144573.4 (MANE Select); coding-DNA position 524, C replaced by G.
Protein change: p.Pro175Arg; replaces proline 175 with arginine.
Molecular consequence: missense variant.
Genome position (GRCh38, 1-based): chr1:77,926,448, C>G. VCF-style: chr1-77926448-C-G. GRCh37 (hg19) VCF-style: chr1-78392133-C-G.
Other names: c.332C>G, p.Pro111Arg (NM_001172309.2); short protein forms P175R, P111R.
Identifiers: ClinVar variation 2144219 (VCV002144219.4), dbSNP rs2523205022, ClinGen allele CA340872234.